The following is an entry in ClinVar:

NM_000260.4(MYO7A):c.2905-54A>G

Gene: MYO7A (myosin VIIA; plus strand). Cytogenetic location: 11q13.5.
Variant type: single nucleotide variant.
Coding change: c.2905-54A>G on transcript NM_000260.4 (MANE Select); 54 bases into the intron before coding-DNA position 2905, A replaced by G.
Molecular consequence: intron variant.
Genome position (GRCh38, 1-based): chr11:77,181,897, A>G. VCF-style: chr11-77181897-A-G. GRCh37 (hg19) VCF-style: chr11-76892943-A-G.
Other names: c.2872-54A>G (NM_001369365.1); c.2905-54A>G (NM_001127180.2).
Identifiers: ClinVar variation 670357 (VCV000670357.5), dbSNP rs7117606, ClinGen allele CA13464825.
Genomic context (GRCh38, chr11:77,181,897, plus strand): 5'-TGCAGTAGCGTGATCACAGCTCACTGCAGCCTTGAACTTCTGGGCTCAGGCGATCCTCCC[A>G]CCTGAGCTTCCTGAGTAGCTGGGACTCCAGGGCATACCTCTTGTCTCCTTCAGGACCTGG-3'

ClinVar aggregate classification (germline): Benign. Review status: criteria provided, multiple submitters, no conflicts (2 of 4 stars). 5 submissions from 3 submitters: Benign (5). Last evaluated 2021-07-01.

Conditions:
Usher syndrome type 1 (USH1). Also called: RETINITIS PIGMENTOSA AND CONGENITAL DEAFNESS. Identifiers: Orphanet 231169, Orphanet 886, MedGen C1568247, MONDO:0010168, OMIM 276900.
Autosomal dominant nonsyndromic hearing loss 11. Identifiers: Orphanet 90635, MedGen C1832475, MONDO:0011032, OMIM 601317.
Autosomal recessive nonsyndromic hearing loss 2. Also called: DEAFNESS, AUTOSOMAL RECESSIVE 2; NEUROSENSORY NONSYNDROMIC RECESSIVE DEAFNESS 2. Identifiers: Orphanet 90636, MedGen C1838701, MONDO:0010807, OMIM 600060.

Allele frequency attached by ClinVar (database versions not stated): gnomAD exomes 0.55735; 1000 Genomes Project 0.56929; 1000 Genomes Project 30x 0.57667; gnomAD 0.61719 and 0.62793; TOPMed 0.61935.
gnomAD v4.1: 873,089 of 1,552,420 alleles (56%); highest among the groups gnomAD compares: African/African-American, 75%; 248,642 homozygotes.

Submissions (5):

Genome-Nilou Lab
Classification: Benign for Autosomal dominant nonsyndromic hearing loss 11. Last evaluated: 2021-07-01. Review status: criteria provided, single submitter. Criteria: ACMG Guidelines, 2015. Collection method: clinical testing. Allele origin: germline. Affected: no.

Genome-Nilou Lab
Classification: Benign for Autosomal recessive nonsyndromic hearing loss 2. Last evaluated: 2021-07-01. Review status: criteria provided, single submitter. Criteria: ACMG Guidelines, 2015. Collection method: clinical testing. Allele origin: germline. Affected: no.

Genome-Nilou Lab
Classification: Benign for Usher syndrome type 1. Last evaluated: 2021-07-01. Review status: criteria provided, single submitter. Criteria: ACMG Guidelines, 2015. Collection method: clinical testing. Allele origin: germline. Affected: no.

GeneDx
Classification: Benign. Last evaluated: 2018-06-13. Review status: criteria provided, single submitter. Criteria: GeneDx Variant Classification (06012015). Collection method: clinical testing. Allele origin: germline. Affected: yes.
Comment: This variant is considered likely benign or benign based on one or more of the following criteria: it is a conservative change, it occurs at a poorly conserved position in the protein, it is predicted to be benign by multiple in silico algorithms, and/or has population frequency not consistent with disease.

Breakthrough Genomics
Classification: Benign. Review status: criteria provided, single submitter. Criteria: ACMG Guidelines, 2015. Collection method: not provided. Allele origin: germline. Inheritance: Autosomal recessive inheritance. Affected: yes.